The following is an entry in ClinVar:

NM_004360.5(CDH1):c.1405T>C (p.Ser469Pro)

Gene: CDH1 (cadherin 1; plus strand). Cytogenetic location: 16q22.1.
Variant type: single nucleotide variant.
Coding change: c.1405T>C on transcript NM_004360.5 (MANE Select); coding-DNA position 1405, T replaced by C.
Protein change: p.Ser469Pro; replaces serine 469 with proline.
Molecular consequence: missense variant. On other transcripts: 5 prime UTR variant (2).
Genome position (GRCh38, 1-based): chr16:68,815,599, T>C. VCF-style: chr16-68815599-T-C. GRCh37 (hg19) VCF-style: chr16-68849502-T-C.
Other names: c.1222T>C, p.Ser408Pro (NM_001317184.2); c.-144T>C (NM_001317185.2); c.-415T>C (NM_001317186.2); short protein forms S469P, S408P.
Identifiers: ClinVar variation 1771895 (VCV001771895.2), dbSNP rs2543930614, ClinGen allele CA396462924.

ClinVar aggregate classification (germline): Uncertain significance (1 of 4 stars; one submission).

Conditions:
Hereditary cancer-predisposing syndrome. Also called: Hereditary Cancer Syndrome; Hereditary neoplastic syndrome; Neoplastic Syndromes, Hereditary; Tumor predisposition. Identifiers: Orphanet 140162, MedGen C0027672, MeSH D009386, MONDO:0015356.

Submission:

Ambry Genetics
Classification: Uncertain significance for Hereditary cancer-predisposing syndrome. Last evaluated: 2019-09-27. Review status: criteria provided, single submitter. Criteria: Ambry Variant Classification Scheme 2023. Collection method: clinical testing. Allele origin: germline.
Comment: The p.S469P variant (also known as c.1405T>C), located in coding exon 10 of the CDH1 gene, results from a T to C substitution at nucleotide position 1405. The serine at codon 469 is replaced by proline, an amino acid with similar properties. This amino acid position is well conserved in available vertebrate species. In addition, the in silico prediction for this alteration is inconclusive. Since supporting evidence is limited at this time, the clinical significance of this alteration remains unclear.